The following is an entry in ClinVar:

ClinVar aggregate classification (germline): Likely pathogenic (1 of 4 stars; one submission).

Conditions:
Retinitis pigmentosa (RP). Identifiers: Orphanet 791, MedGen C0035334, MeSH D012174, MONDO:0019200, OMIM 268000. Inheritance: Autosomal dominant, autosomal recessive and X linked inheritance.

Allele frequency attached by ClinVar (database versions not stated): gnomAD exomes below 0.00001; TOPMed below 0.00001; gnomAD 0.00001.
gnomAD v4.1: 4 of 1,612,544 alleles (0.00025%); highest among the groups gnomAD compares: Non-Finnish European, 0.00034%; no homozygotes.

Submission:

Broad Center for Mendelian Genomics, Broad Institute of MIT and Harvard
Classification: Likely pathogenic for Retinitis pigmentosa. Last evaluated: 2021-04-01. Review status: criteria provided, single submitter. Criteria: ACMG Guidelines, 2015. Collection method: curation. Allele origin: germline. Inheritance: Autosomal recessive inheritance. Affected: yes.
Comment: Through a review of available evidence we were able to apply the following criteria: PVS1, PM2. Based on this evidence we have classified this variant as Likely Pathogenic. If you have any questions about the classification please reach out to the Pierce Lab.

Literature cited by the submitters: PubMed 34906470.

NM_000283.4(PDE6B):c.1108-2A>G

Gene: PDE6B (phosphodiesterase 6B; plus strand). Cytogenetic location: 4p16.3.
Variant type: single nucleotide variant.
Coding change: c.1108-2A>G on transcript NM_000283.4 (MANE Select); the canonical splice acceptor site of the intron before coding-DNA position 1108, A replaced by G.
Molecular consequence: splice acceptor variant.
Genome position (GRCh38, 1-based): chr4:656,872, A>G. VCF-style: chr4-656872-A-G. GRCh37 (hg19) VCF-style: chr4-650661-A-G.
Other names: c.271-2A>G (NM_001379247.1, NM_001145292.2, NM_001350154.3 and 1 more transcripts); c.-48-2A>G (NM_001350155.3); c.1108-2A>G (NM_001145291.2).
Identifiers: ClinVar variation 1297100 (VCV001297100.2), dbSNP rs1316718953, ClinGen allele CA355912974.